The following is an entry in ClinVar:

ClinVar aggregate classification (germline): Uncertain significance (1 of 4 stars; one submission).

Allele frequency attached by ClinVar (database versions not stated): gnomAD exomes below 0.00001.
gnomAD v4.1: 2 of 1,614,186 alleles (0.00012%); highest among the groups gnomAD compares: Non-Finnish European, 0.00017%; no homozygotes.

Submission:

Labcorp Genetics (formerly Invitae), Labcorp
Classification: Uncertain significance. Last evaluated: 2020-11-30. Review status: criteria provided, single submitter. Criteria: Invitae Variant Classification Sherloc (09022015). Collection method: clinical testing. Allele origin: germline.
Comment: This variant has not been reported in the literature in individuals with NANS-related conditions. Algorithms developed to predict the effect of missense changes on protein structure and function are either unavailable or do not agree on the potential impact of this missense change (SIFT: "Tolerated"; PolyPhen-2: "Probably Damaging"; Align-GVGD: "Class C0"). This variant is not present in population databases (ExAC no frequency). This sequence change replaces alanine with valine at codon 252 of the NANS protein (p.Ala252Val). The alanine residue is highly conserved and there is a small physicochemical difference between alanine and valine. In summary, the available evidence is currently insufficient to determine the role of this variant in disease. Therefore, it has been classified as a Variant of Uncertain Significance.

NM_018946.4(NANS):c.755C>T (p.Ala252Val)

Genes: NANS (N-acetylneuraminate synthase; plus strand), TRIM14 (tripartite motif containing 14; minus strand). Cytogenetic location: 9q22.33.
Variant type: single nucleotide variant.
Coding change: c.755C>T on transcript NM_018946.4 (MANE Select); coding-DNA position 755, C replaced by T.
Protein change: p.Ala252Val; replaces alanine 252 with valine.
Molecular consequence: missense variant.
Genome position (GRCh38, 1-based): chr9:98,080,967, C>T. VCF-style: chr9-98080967-C-T. GRCh37 (hg19) VCF-style: chr9-100843249-C-T.
Other names: short protein forms A252V.
Identifiers: ClinVar variation 1352360 (VCV001352360.8), dbSNP rs1173805223, ClinGen allele CA374201349.